The following is an entry in ClinVar:

ClinVar aggregate classification (germline): Pathogenic. Review status: criteria provided, multiple submitters, no conflicts (2 of 4 stars). 8 submissions from 7 submitters: Pathogenic (8). Last evaluated 2025-03-27.

Conditions:
Tyrosinase-positive oculocutaneous albinism (OCA2). Also called: ALBINISM II; Oculocutaneous albinism type 2; Albinism, oculocutaneous, type II. Identifiers: Orphanet 79432, MedGen C0268495, MONDO:0008746, OMIM 203200.
SKIN/HAIR/EYE PIGMENTATION 1, BLUE/NONBLUE EYES (SHEP1). Also called: BROWN EYE COLOR 2; EYE COLOR 3; EYE COLOR, BLUE/NONBLUE; EYE COLOR, BROWN/BLUE; HAIR COLOR 3; SKIN/HAIR/EYE PIGMENTATION 1, BLOND/BROWN HAIR. Identifiers: MedGen C1856895, OMIM 227220.
Hypophosphatasia. Also called: Phosphoethanol-aminuria. Identifiers: Orphanet 436, MedGen C0020630, MeSH D007014, MONDO:0018570.
Oculocutaneous albinism. Identifiers: Orphanet 55, MedGen C0078918, MONDO:0018910.

Allele frequency attached by ClinVar (database versions not stated): gnomAD 0.00001; ExAC 0.00003; 1000 Genomes Project 0.00040; 1000 Genomes Project 30x 0.00047.
gnomAD v4.1: 17 of 1,614,210 alleles (0.0011%); highest among the groups gnomAD compares: East Asian, 0.013%; no homozygotes.

Submissions (8):

3billion
Classification: Pathogenic for Tyrosinase-positive oculocutaneous albinism. Last evaluated: 2025-03-27. Review status: criteria provided, single submitter. Criteria: ACMG Guidelines, 2015. Collection method: clinical testing. Allele origin: germline. Affected: yes.
Comment: The variant is observed at an extremely low frequency in the gnomAD v4.1.0 dataset (total allele frequency: 0.001%). Predicted Consequence/Location: Stop-gained (nonsense): predicted to result in a loss or disruption of normal protein function through nonsense-mediated decay (NMD) or protein truncation. Multiple pathogenic variants are reported downstream of the variant. The variant has been reported at least twice as pathogenic without evidence for the classification (ClinVar ID: VCV002677399 / PMID: 19865097 / 3billion dataset). Therefore, this variant is classified as Pathogenic according to the recommendation of ACMG/AMP guideline.

Myriad Genetics, Inc.
Classification: Pathogenic for Tyrosinase-positive oculocutaneous albinism. Last evaluated: 2024-07-20. Review status: criteria provided, single submitter. Criteria: Myriad Autosomal Dominant, Autosomal Recessive and X-Linked Classification Criteria (2023). Collection method: clinical testing. Allele origin: unknown.
Comment: NM_000275.2(OCA2):c.406C>T(R136*) is expected to be pathogenic in the context of oculocutaneous albinism, OCA2-related. This variant is predicted to lead to an abnormal or absent protein product due to the creation of a premature termination codon in OCA2, a gene where loss-of-function variants are known to be pathogenic. Please note: this variant was assessed in the context of healthy population screening.

Fulgent Genetics
Classification: Pathogenic for Tyrosinase-positive oculocutaneous albinism; SKIN/HAIR/EYE PIGMENTATION 1, BLUE/NONBLUE EYES. Last evaluated: 2024-03-09. Review status: criteria provided, single submitter. Criteria: ACMG Guidelines, 2015. Collection method: clinical testing. Allele origin: germline.

Women's Health and Genetics/Laboratory Corporation of America, LabCorp
Classification: Pathogenic for Oculocutaneous albinism. Last evaluated: 2024-03-07. Review status: criteria provided, single submitter. Criteria: LabCorp Variant Classification Summary - May 2015. Collection method: clinical testing. Allele origin: germline.
Comment: Variant summary: OCA2 c.406C>T (p.Arg136X) results in a premature termination codon, predicted to cause absence of the protein due to nonsense mediated decay, which is a commonly known mechanism for disease. The variant allele was found at a frequency of 1.6e-05 in 251486 control chromosomes. c.406C>T has been reported in the literature in at-least one individual affected with Oculocutaneous Albinism (Wei_2010). These data do not allow any conclusion about variant significance. To our knowledge, no experimental evidence demonstrating an impact on protein function has been reported. The following publication have been ascertained in the context of this evaluation (PMID: 19865097). ClinVar contains an entry for this variant (Variation ID: 2677399). Based on the evidence outlined above, the variant was classified as pathogenic.

Women's Health and Genetics/Laboratory Corporation of America, LabCorp
Classification: Pathogenic for Hypophosphatasia. Last evaluated: 2024-03-07. Review status: criteria provided, single submitter. Criteria: LabCorp Variant Classification Summary - May 2015. Collection method: clinical testing. Allele origin: germline.
Comment: Variant summary: ALPL c.406C>T (p.Arg136Cys) results in a non-conservative amino acid change in the encoded protein sequence. Four of five in-silico tools predict a damaging effect of the variant on protein function. The variant allele was found at a frequency of 1.2e-05 in 250900 control chromosomes (gnomAD). c.406C>T has been reported in the literature in compound heterozygous (examples: Yu_2019, DelAngel_2020, and Zhang_2021) and heterozygous individuals affected with Hypophosphatasia (example: Taillandier_2017) and have shown both autosomal recessive and dominant inheritance. These data indicate that the variant is likely to be associated with disease. At least one publication reports experimental evidence evaluating an impact on protein function. The most pronounced variant effect results in <10% of normal activity (example: DelAngel_2020). Other variants affecting the same residue is associated with Hypophosphatasia (Taillandier_2017). The following publications have been ascertained in the context of this evaluation (PMID: 32160374, 29236161, 30979366, 34712267). Four clinical diagnostic laboratories have submitted clinical-significance assessments for this variant to ClinVar after 2014 and classified the variant as pathogenic/likely pathogenic (n=3) and VUS (n=1). Based on the evidence outlined above, the variant was classified as pathogenic.

Labcorp Genetics (formerly Invitae), Labcorp
Classification: Pathogenic. Last evaluated: 2024-01-13. Review status: criteria provided, single submitter. Criteria: Invitae Variant Classification Sherloc (09022015). Collection method: clinical testing. Allele origin: germline.
Comment: This sequence change creates a premature translational stop signal (p.Arg136*) in the OCA2 gene. It is expected to result in an absent or disrupted protein product. Loss-of-function variants in OCA2 are known to be pathogenic (PMID: 19865097, 21541274). This variant is present in population databases (rs201791790, gnomAD 0.006%). This premature translational stop signal has been observed in individual(s) with ocular albinism (PMID: 19865097, 31077556). For these reasons, this variant has been classified as Pathogenic.

Baylor Genetics
Classification: Pathogenic for SKIN/HAIR/EYE PIGMENTATION 1, BLUE/NONBLUE EYES. Last evaluated: 2023-10-02. Review status: criteria provided, single submitter. Criteria: ACMG Guidelines, 2015. Collection method: clinical testing. Allele origin: unknown.

Juno Genomics, Hangzhou Juno Genomics, Inc
Classification: Pathogenic for Tyrosinase-positive oculocutaneous albinism. Review status: criteria provided, single submitter. Criteria: ACMG Guidelines, 2015. Collection method: clinical testing. Allele origin: germline. Affected: yes.
Comment: Absent from controls (or at extremely low frequency if recessive) in Genome Aggregation Database.;Null variant in a gene where loss of function (LOF) is a known mechanism of disease.;For recessive disorders, detected in trans with a pathogenic variant.;Patient's phenotype or family history is highly specific for a disease with a single genetic etiology.

Literature cited by the submitters: PubMed 19865097 (cited by 3 submitters); PubMed 21541274 (cited by Labcorp Genetics (formerly Invitae), Labcorp); PubMed 31077556 (cited by Labcorp Genetics (formerly Invitae), Labcorp).

NM_000275.3(OCA2):c.406C>T (p.Arg136Ter)

Gene: OCA2 (OCA2 melanosomal transmembrane protein; minus strand). Cytogenetic location: 15q13.1.
Variant type: single nucleotide variant.
Coding change: c.406C>T on transcript NM_000275.3 (MANE Select); coding-DNA position 406, C replaced by T.
Protein change: p.Arg136Ter; replaces arginine 136 with a stop codon.
Molecular consequence: nonsense.
Genome position (GRCh38, 1-based): chr15:28,027,980, G>A on the plus strand (C>T on the coding strand, the complement: OCA2 is on the minus strand). VCF-style: chr15-28027980-G-A. GRCh37 (hg19) VCF-style: chr15-28273126-G-A.
Other names: c.406C>T, p.Arg136Ter (NM_001300984.2); short protein forms R136*.
Identifiers: ClinVar variation 2677399 (VCV002677399.12), dbSNP rs201791790, ClinGen allele CA7439501.